The following is an entry in ClinVar:

ClinVar aggregate classification (germline): Uncertain significance. Review status: criteria provided, multiple submitters, no conflicts (2 of 4 stars). 3 submissions from 3 submitters: Uncertain significance (3). Last evaluated 2025-01-30.

Conditions:
Hennekam lymphangiectasia-lymphedema syndrome 2 (HKLLS2). Identifiers: Orphanet 2136, MedGen C4014939, MONDO:0014454, OMIM 616006.
Inborn genetic diseases. Identifiers: MedGen C0950123, MeSH D030342.

Allele frequency attached by ClinVar (database versions not stated): gnomAD 0.00001.
gnomAD v4.1: 6 of 1,614,118 alleles (0.00037%); highest among the groups gnomAD compares: Middle Eastern, 0.016%; no homozygotes.

Submissions (3):

Labcorp Genetics (formerly Invitae), Labcorp
Classification: Uncertain significance. Last evaluated: 2025-01-30. Review status: criteria provided, single submitter. Criteria: Invitae Variant Classification Sherloc (09022015). Collection method: clinical testing. Allele origin: germline.
Comment: This sequence change replaces valine, which is neutral and non-polar, with isoleucine, which is neutral and non-polar, at codon 764 of the FAT4 protein (p.Val764Ile). This variant is present in population databases (no rsID available, gnomAD 0.0009%). This variant has not been reported in the literature in individuals affected with FAT4-related conditions. ClinVar contains an entry for this variant (Variation ID: 1028320). Invitae Evidence Modeling of protein sequence and biophysical properties (such as structural, functional, and spatial information, amino acid conservation, physicochemical variation, residue mobility, and thermodynamic stability) has been performed for this missense variant. However, the output from this modeling did not meet the statistical confidence thresholds required to predict the impact of this variant on FAT4 protein function. In summary, the available evidence is currently insufficient to determine the role of this variant in disease. Therefore, it has been classified as a Variant of Uncertain Significance.

Ambry Genetics
Classification: Uncertain significance for Inborn genetic diseases. Last evaluated: 2024-03-19. Review status: criteria provided, single submitter. Criteria: Ambry Variant Classification Scheme 2023. Collection method: clinical testing. Allele origin: germline.

Baylor Genetics
Classification: Uncertain significance for Hennekam lymphangiectasia-lymphedema syndrome 2. Last evaluated: 2019-09-22. Review status: criteria provided, single submitter. Criteria: ACMG Guidelines, 2015. Collection method: clinical testing. Allele origin: unknown. Affected: yes.
Comment: This variant was determined to be of uncertain significance according to ACMG Guidelines, 2015 [PMID:25741868].

NM_001291303.3(FAT4):c.2290G>A (p.Val764Ile)

Gene: FAT4 (FAT atypical cadherin 4; plus strand). Cytogenetic location: 4q28.1.
Variant type: single nucleotide variant.
Coding change: c.2290G>A on transcript NM_001291303.3 (MANE Select); coding-DNA position 2290, G replaced by A.
Protein change: p.Val764Ile; replaces valine 764 with isoleucine.
Molecular consequence: missense variant.
Genome position (GRCh38, 1-based): chr4:125,318,701, G>A. VCF-style: chr4-125318701-G-A. GRCh37 (hg19) VCF-style: chr4-126239856-G-A.
Other names: c.2290G>A, p.Val764Ile (NM_001291285.3, NM_024582.6); short protein forms V764I.
Identifiers: ClinVar variation 1028320 (VCV001028320.4), dbSNP rs746714727, ClinGen allele CA358120007.